The following is an entry in ClinVar:

NM_001382391.1(CSPP1):c.2804A>G (p.Asp935Gly)

Gene: CSPP1 (centrosome and spindle pole associated protein 1; plus strand). Cytogenetic location: 8q13.2.
Variant type: single nucleotide variant.
Coding change: c.2804A>G on transcript NM_001382391.1 (MANE Select); coding-DNA position 2804, A replaced by G.
Protein change: p.Asp935Gly; replaces aspartic acid 935 with glycine.
Molecular consequence: missense variant.
Genome position (GRCh38, 1-based): chr8:67,164,484, A>G. VCF-style: chr8-67164484-A-G. GRCh37 (hg19) VCF-style: chr8-68076719-A-G.
Other names: c.1754A>G, p.Asp585Gly (NM_001291339.2); c.2723A>G, p.Asp908Gly (NM_001363131.2); c.2609A>G, p.Asp870Gly (NM_001363132.2); c.2528A>G, p.Asp843Gly (NM_001363133.2); c.2870A>G, p.Asp957Gly (NM_001364869.1); c.2690A>G, p.Asp897Gly (NM_001364870.1); c.2789A>G, p.Asp930Gly (NM_024790.7); short protein forms D585G, D843G, D870G, D897G, D908G, D930G, D935G, D957G.
Identifiers: ClinVar variation 1299123 (VCV001299123.41), dbSNP rs374765060, ClinGen allele CA178193381.
Genomic context (GRCh38, chr8:67,164,484, plus strand): 5'-AAATGAGAAAACAGCTTCGTAGTGAAGAGAGGCGTCTACAAGAGCGATTGCTACACATGG[A>G]CAGTGATGATGAAATTCCTATCAGGCAAGTTTAGAATTGCAGTTTTTGTGTTCGCTTGAG-3'
Protein context (NP_001369320.1, residues 925-945): RRLQERLLHM[Asp935Gly]SDDEIPIRKK

ClinVar aggregate classification (germline): Uncertain significance. Review status: criteria provided, multiple submitters, no conflicts (2 of 4 stars). 5 submissions from 5 submitters: Uncertain significance (5). Last evaluated 2024-12-09.

Conditions:
Joubert syndrome 21 (JBTS21). Identifiers: MedGen C3810212, MONDO:0014288, OMIM 615636.
Inborn genetic diseases. Identifiers: MedGen C0950123, MeSH D030342.

Allele frequency attached by ClinVar (database versions not stated): gnomAD exomes 0.00002 and 0.00006; gnomAD 0.00005 and 0.00006; TOPMed 0.00006; ESP Exome Variant Server 0.00008.
gnomAD v4.1: 104 of 1,576,554 alleles (0.0066%); highest among the groups gnomAD compares: Non-Finnish European, 0.008%; no homozygotes.

Submissions (5):

Labcorp Genetics (formerly Invitae), Labcorp
Classification: Uncertain significance for Joubert syndrome 21. Last evaluated: 2024-12-09. Review status: criteria provided, single submitter. Criteria: Invitae Variant Classification Sherloc (09022015). Collection method: clinical testing. Allele origin: germline.
Comment: This sequence change replaces aspartic acid, which is acidic and polar, with glycine, which is neutral and non-polar, at codon 930 of the CSPP1 protein (p.Asp930Gly). This variant is present in population databases (rs374765060, gnomAD 0.006%). This variant has not been reported in the literature in individuals affected with CSPP1-related conditions. ClinVar contains an entry for this variant (Variation ID: 1299123). An algorithm developed to predict the effect of missense changes on protein structure and function (PolyPhen-2) suggests that this variant¬†is likely to be tolerated. In summary, the available evidence is currently insufficient to determine the role of this variant in disease. Therefore, it has been classified as a Variant of Uncertain Significance.

Ambry Genetics
Classification: Uncertain significance for Inborn genetic diseases. Last evaluated: 2024-01-12. Review status: criteria provided, single submitter. Criteria: Ambry Variant Classification Scheme 2023. Collection method: clinical testing. Allele origin: germline.

Baylor Genetics
Classification: Uncertain significance for Joubert syndrome 21. Last evaluated: 2022-05-20. Review status: criteria provided, single submitter. Criteria: ACMG Guidelines, 2015. Collection method: clinical testing. Allele origin: unknown.

CeGaT Center for Human Genetics Tuebingen
Classification: Uncertain significance. Last evaluated: 2021-07-01. Review status: criteria provided, single submitter. Criteria: CeGaT Center For Human Genetics Tuebingen Variant Classification Criteria Version 2. Collection method: clinical testing. Allele origin: germline. Affected: yes. Observed: 1 variant allele.

GeneDx
Classification: Uncertain significance. Last evaluated: 2020-10-20. Review status: criteria provided, single submitter. Criteria: GeneDx Variant Classification Process June 2021. Collection method: clinical testing. Allele origin: germline. Affected: yes.
Comment: Not observed at a significant frequency in large population cohorts (Lek et al., 2016); In silico analysis supports that this missense variant has a deleterious effect on protein structure/function; Has not been previously published as pathogenic or benign to our knowledge; In-silico analysis, which includes splice predictors and evolutionary conservation, is inconclusive as to whether the variant alters gene splicing. In the absence of RNA/functional studies, the actual effect of this sequence change is unknown.